The following is an entry in ClinVar:

NM_001271938.2(MEGF8):c.4661C>T (p.Ala1554Val)

Gene: MEGF8 (multiple EGF like domains 8; plus strand). Cytogenetic location: 19q13.2.
Variant type: single nucleotide variant.
Coding change: c.4661C>T on transcript NM_001271938.2 (MANE Select); coding-DNA position 4661, C replaced by T.
Protein change: p.Ala1554Val; replaces alanine 1554 with valine.
Molecular consequence: missense variant.
Genome position (GRCh38, 1-based): chr19:42,356,812, C>T. VCF-style: chr19-42356812-C-T. GRCh37 (hg19) VCF-style: chr19-42860964-C-T.
Other names: c.4460C>T, p.Ala1487Val (NM_001410.3); short protein forms A1487V, A1554V.
Identifiers: ClinVar variation 1314687 (VCV001314687.4), dbSNP rs774083503, ClinGen allele CA9475335.

ClinVar aggregate classification (germline): Uncertain significance. Review status: criteria provided, multiple submitters, no conflicts (2 of 4 stars). 2 submissions from 2 submitters: Uncertain significance (2). Last evaluated 2023-05-22.

Conditions:
Inborn genetic diseases. Identifiers: MedGen C0950123, MeSH D030342.

Allele frequency attached by ClinVar (database versions not stated): gnomAD exomes 0.00001; TOPMed 0.00001; gnomAD 0.00002.
gnomAD v4.1: 24 of 1,555,856 alleles (0.0015%); highest among the groups gnomAD compares: East Asian, 0.0048%; no homozygotes.

Submissions (2):

Ambry Genetics
Classification: Uncertain significance for Inborn genetic diseases. Last evaluated: 2023-05-22. Review status: criteria provided, single submitter. Criteria: Ambry Variant Classification Scheme 2023. Collection method: clinical testing. Allele origin: germline.

GeneDx
Classification: Uncertain significance. Last evaluated: 2021-04-21. Review status: criteria provided, single submitter. Criteria: GeneDx Variant Classification Process June 2021. Collection method: clinical testing. Allele origin: germline. Affected: yes.
Comment: In silico analysis supports that this missense variant does not alter protein structure/function; Has not been previously published as pathogenic or benign to our knowledge